The following is an entry in ClinVar:

NM_006231.4(POLE):c.2734_2735delinsAT (p.Glu912Met)

Gene: POLE (DNA polymerase epsilon, catalytic subunit; minus strand). Cytogenetic location: 12q24.33.
Variant type: Indel.
Coding change: c.2734_2735delinsAT on transcript NM_006231.4 (MANE Select); coding-DNA positions 2734 to 2735, GA replaced by AT.
Protein change: p.Glu912Met; replaces glutamic acid 912 with methionine.
Molecular consequence: missense variant.
Genome position (GRCh38, 1-based): chr12:132,661,656-132,661,657, TC replaced by AT on the plus strand (GA replaced by AT on the coding strand, the reverse complement: POLE is on the minus strand). VCF-style: chr12-132661656-TC-AT. GRCh37 (hg19) VCF-style: chr12-133238242-TC-AT.
Other names: short protein forms E912M.
Identifiers: ClinVar variation 1304054 (VCV001304054.3), dbSNP rs2135949435, ClinGen allele CA2573053632.

ClinVar aggregate classification (germline): Uncertain significance. Review status: criteria provided, multiple submitters, no conflicts (2 of 4 stars). 2 submissions from 2 submitters: Uncertain significance (2). Last evaluated 2023-10-03.

Conditions:
Facial dysmorphism-immunodeficiency-livedo-short stature syndrome. Also called: Facial dysmorphism, immunodeficiency, livedo, and short stature; FILS syndrome. Identifiers: Orphanet 352712, MedGen C3554576, MONDO:0014058, OMIM 615139.
Colorectal cancer, susceptibility to, 12 (CRCS12). Also called: COLORECTAL CANCER, SUSCEPTIBILITY TO, ON CHROMOSOME 12q24. Identifiers: Orphanet 220460, MedGen C3554460, MONDO:0014038, OMIM 615083.
Intrauterine growth retardation, metaphyseal dysplasia, adrenal hypoplasia congenita, genital anomalies, and immunodeficiency. Also called: IMAGEI SYNDROME. Identifiers: MedGen C5193036, MONDO:0032684, OMIM 618336.

Submissions (2):

Department of Pathology and Laboratory Medicine, Sinai Health System
Classification: Uncertain significance for Colorectal cancer, susceptibility to, 12; Facial dysmorphism-immunodeficiency-livedo-short stature syndrome; Intrauterine growth retardation, metaphyseal dysplasia, adrenal hypoplasia congenita, genital anomalies, and immunodeficiency. Last evaluated: 2023-10-03. Review status: criteria provided, single submitter. Criteria: ACMG Guidelines, 2015. Collection method: clinical testing. Allele origin: germline. Affected: yes.

GeneDx
Classification: Uncertain significance. Last evaluated: 2018-07-27. Review status: criteria provided, single submitter. Criteria: GeneDx Variant Classification Process June 2021. Collection method: clinical testing. Allele origin: germline. Affected: yes.
Comment: Not observed in large population cohorts (Lek et al., 2016); In silico analysis supports a deleterious effect on protein structure/function; Has not been previously published as pathogenic or benign to our knowledge